The following is an entry in ClinVar:

ClinVar aggregate classification (germline): Uncertain significance (1 of 4 stars; one submission).

Conditions:
Inborn genetic diseases. Identifiers: MedGen C0950123, MeSH D030342.

Submission:

Ambry Genetics
Classification: Uncertain significance for Inborn genetic diseases. Last evaluated: 2026-04-12. Review status: criteria provided, single submitter. Criteria: Ambry Variant Classification Scheme 2023. Collection method: clinical testing. Allele origin: germline.
Comment: The p.H1390R variant (also known as c.4169A>G), located in coding exon 13 of the ASXL1 gene, results from an A to G substitution at nucleotide position 4169. The histidine at codon 1390 is replaced by arginine, an amino acid with highly similar properties. This amino acid position is conserved. In addition, this alteration is predicted to be tolerated by in silico analysis. Based on the available evidence, the clinical significance of this variant remains unclear.

NM_015338.6(ASXL1):c.4169A>G (p.His1390Arg)

Gene: ASXL1 (ASXL transcriptional regulator 1; plus strand). Cytogenetic location: 20q11.21.
Variant type: single nucleotide variant.
Coding change: c.4169A>G on transcript NM_015338.6 (MANE Select); coding-DNA position 4169, A replaced by G.
Protein change: p.His1390Arg; replaces histidine 1390 with arginine.
Molecular consequence: missense variant.
Genome position (GRCh38, 1-based): chr20:32,436,881, A>G. VCF-style: chr20-32436881-A-G. GRCh37 (hg19) VCF-style: chr20-31024684-A-G.
Other names: c.3986A>G, p.His1329Arg (NM_001363734.1); short protein forms H1329R, H1390R.
Identifiers: ClinVar variation 4864229 (VCV004864229.1).